The following is an entry in ClinVar:

NM_002017.5(FLI1):c.1050A>C (p.Lys350Asn)

Gene: FLI1 (Fli-1 proto-oncogene, ETS transcription factor; plus strand). Cytogenetic location: 11q24.3.
Variant type: single nucleotide variant.
Coding change: c.1050A>C on transcript NM_002017.5 (MANE Select); coding-DNA position 1050, A replaced by C.
Protein change: p.Lys350Asn; replaces lysine 350 with asparagine.
Molecular consequence: missense variant.
Genome position (GRCh38, 1-based): chr11:128,810,679, A>C. VCF-style: chr11-128810679-A-C. GRCh37 (hg19) VCF-style: chr11-128680574-A-C.
Other names: c.951A>C, p.Lys317Asn (NM_001167681.3); c.852A>C, p.Lys284Asn (NM_001271010.2); c.471A>C, p.Lys157Asn (NM_001271012.2); short protein forms K157N, K284N, K317N, K350N.
Identifiers: ClinVar variation 2005102 (VCV002005102.4), dbSNP rs2497519421, ClinGen allele CA383238929.

ClinVar aggregate classification (germline): Uncertain significance (1 of 4 stars; one submission).

Submission:

Labcorp Genetics (formerly Invitae), Labcorp
Classification: Uncertain significance. Last evaluated: 2022-06-12. Review status: criteria provided, single submitter. Criteria: Invitae Variant Classification Sherloc (09022015). Collection method: clinical testing. Allele origin: germline.
Comment: Algorithms developed to predict the effect of missense changes on protein structure and function (SIFT, PolyPhen-2, Align-GVGD) all suggest that this variant is likely to be disruptive. In summary, the available evidence is currently insufficient to determine the role of this variant in disease. Therefore, it has been classified as a Variant of Uncertain Significance. This sequence change replaces lysine, which is basic and polar, with asparagine, which is neutral and polar, at codon 350 of the FLI1 protein (p.Lys350Asn). This variant is not present in population databases (gnomAD no frequency). This variant has not been reported in the literature in individuals affected with FLI1-related conditions.